The following is an entry in ClinVar:

ClinVar aggregate classification (germline): Uncertain significance. Review status: criteria provided, multiple submitters, no conflicts (2 of 4 stars). 2 submissions from 2 submitters: Uncertain significance (2). Last evaluated 2025-05-18.

Conditions:
Generalized epilepsy-paroxysmal dyskinesia syndrome (PNKD3). Also called: Paroxysmal nonkinesigenic dyskinesia, 3, with or without generalized epilepsy; Generalized epilepsy and paroxysmal dyskinesia. Identifiers: Orphanet 79137, MedGen C5574945, MONDO:0012276, OMIM 609446.
Inborn genetic diseases. Identifiers: MedGen C0950123, MeSH D030342.

Allele frequency attached by ClinVar (database versions not stated): gnomAD 0.00001.
gnomAD v4.1: 1 of 1,614,066 alleles (0.000062%); highest among the groups gnomAD compares: Admixed American, 0.0017%; no homozygotes.

Submissions (2):

Labcorp Genetics (formerly Invitae), Labcorp
Classification: Uncertain significance for Generalized epilepsy-paroxysmal dyskinesia syndrome. Last evaluated: 2025-05-18. Review status: criteria provided, single submitter. Criteria: Invitae Variant Classification Sherloc (09022015). Collection method: clinical testing. Allele origin: germline.
Comment: This sequence change replaces leucine, which is neutral and non-polar, with phenylalanine, which is neutral and non-polar, at codon 142 of the KCNMA1 protein (p.Leu142Phe). This variant is not present in population databases (gnomAD no frequency). This variant has not been reported in the literature in individuals affected with KCNMA1-related conditions. ClinVar contains an entry for this variant (Variation ID: 2295938). An algorithm developed to predict the effect of missense changes on protein structure and function (PolyPhen-2) suggests that this variant is likely to be tolerated. In summary, the available evidence is currently insufficient to determine the role of this variant in disease. Therefore, it has been classified as a Variant of Uncertain Significance.

Ambry Genetics
Classification: Uncertain significance for Inborn genetic diseases. Last evaluated: 2022-06-21. Review status: criteria provided, single submitter. Criteria: Ambry Variant Classification Scheme 2023. Collection method: clinical testing. Allele origin: germline.

NM_001161352.2(KCNMA1):c.424C>T (p.Leu142Phe)

Gene: KCNMA1 (potassium calcium-activated channel subfamily M alpha 1; minus strand). Cytogenetic location: 10q22.3.
Variant type: single nucleotide variant.
Coding change: c.424C>T on transcript NM_001161352.2 (MANE Select); coding-DNA position 424, C replaced by T.
Protein change: p.Leu142Phe; replaces leucine 142 with phenylalanine.
Molecular consequence: missense variant. On other transcripts: intron variant (1).
Genome position (GRCh38, 1-based): chr10:77,403,978, G>A on the plus strand (C>T on the coding strand, the complement: KCNMA1 is on the minus strand). VCF-style: chr10-77403978-G-A. GRCh37 (hg19) VCF-style: chr10-79163736-G-A.
Other names: c.424C>T, p.Leu142Phe (NM_001014797.3, NM_001161353.2, NM_001271519.2 and 8 more transcripts); c.379-152722C>T (NM_001271518.2); short protein forms L142F.
Identifiers: ClinVar variation 2295938 (VCV002295938.3), dbSNP rs2096374065, ClinGen allele CA377411172.